The following is an entry in ClinVar:

NM_001035.3(RYR2):c.2613+4C>G

Gene: RYR2 (ryanodine receptor 2; plus strand). Cytogenetic location: 1q43.
Variant type: single nucleotide variant.
Coding change: c.2613+4C>G on transcript NM_001035.3 (MANE Select); 4 bases into the intron after coding-DNA position 2613, C replaced by G.
Molecular consequence: intron variant.
Genome position (GRCh38, 1-based): chr1:237,503,509, C>G. VCF-style: chr1-237503509-C-G. GRCh37 (hg19) VCF-style: chr1-237666809-C-G.
Identifiers: ClinVar variation 922133 (VCV000922133.13), dbSNP rs371880082, ClinGen allele CA086083.

ClinVar aggregate classification (germline): Conflicting classifications of pathogenicity. Review status: criteria provided, conflicting classifications (1 of 4 stars). 4 submissions from 4 submitters: Uncertain significance (2); Likely benign (2). Last evaluated 2025-11-20.

Conditions:
Cardiovascular phenotype. Identifiers: MedGen CN230736.
Cardiomyopathy (CMYO). Also called: Cardiomyopathies. Identifiers: Orphanet 167848, MedGen C0878544, MONDO:0004994, HP:0001638. Inheritance: Various modes of inheritance.
Catecholaminergic polymorphic ventricular tachycardia 1. Also called: VENTRICULAR TACHYCARDIA, CATECHOLAMINERGIC POLYMORPHIC, 1, WITH OR WITHOUT ATRIAL DYSFUNCTION AND/OR DILATED CARDIOMYOPATHY; RYR2-Related Catecholaminergic Polymorphic Ventricular Tachycardia; VENTRICULAR TACHYCARDIA, STRESS-INDUCED POLYMORPHIC 1. Identifiers: Orphanet 3286, MedGen C1631597, MONDO:0011484, OMIM 604772.

Allele frequency attached by ClinVar (database versions not stated): gnomAD 0.00019 and 0.00021; TOPMed 0.00019; 1000 Genomes Project 0.00020; ESP Exome Variant Server 0.00032.
gnomAD v4.1: 54 of 1,612,776 alleles (0.0033%); highest among the groups gnomAD compares: African/African-American, 0.049%; no homozygotes.

Submissions (4):

Labcorp Genetics (formerly Invitae), Labcorp
Classification: Uncertain significance for Catecholaminergic polymorphic ventricular tachycardia 1. Last evaluated: 2025-11-20. Review status: criteria provided, single submitter. Criteria: Invitae Variant Classification Sherloc (09022015). Collection method: clinical testing. Allele origin: germline.
Comment: This sequence change falls in intron 22 of the RYR2 gene. It does not directly change the encoded amino acid sequence of the RYR2 protein. It affects a nucleotide within the consensus splice site. This variant is present in population databases (rs371880082, gnomAD 0.05%). This variant has not been reported in the literature in individuals affected with RYR2-related conditions. ClinVar contains an entry for this variant (Variation ID: 922133). Variants that disrupt the consensus splice site are a relatively common cause of aberrant splicing (PMID: 17576681, 9536098). Algorithms developed to predict the effect of sequence changes on RNA splicing suggest that this variant may disrupt the consensus splice site. In summary, the available evidence is currently insufficient to determine the role of this variant in disease. Therefore, it has been classified as a Variant of Uncertain Significance.

Ambry Genetics
Classification: Likely benign for Cardiovascular phenotype. Last evaluated: 2024-01-09. Review status: criteria provided, single submitter. Criteria: Ambry Variant Classification Scheme 2023. Collection method: clinical testing. Allele origin: germline.

Women's Health and Genetics/Laboratory Corporation of America, LabCorp
Classification: Uncertain significance. Last evaluated: 2024-01-09. Review status: criteria provided, single submitter. Criteria: LabCorp Variant Classification Summary - May 2015. Collection method: clinical testing. Allele origin: germline.
Comment: Variant summary: RYR2 c.2613+4C>G alters a non-conserved nucleotide located close to a canonical splice site and therefore could affect mRNA splicing, leading to a significantly altered protein sequence. Several computational tools predict a significant impact on normal splicing: Three predict the variant weakens a 5' donor site. One predict the variant no significant impact on splicing. However, these predictions have yet to be confirmed by functional studies. The variant allele was found at a frequency of 5.6e-05 in 248830 control chromosomes, predominantly at a frequency of 0.00052 within the African or African-American subpopulation in the gnomAD database. The available data on variant occurrences in the general population are insufficient to allow any conclusion about variant significance. To our knowledge, no occurrence of c.2613+4C>G in individuals affected with Catecholaminergic Polymorphic Ventricular Tachycardia and no experimental evidence demonstrating its impact on protein function have been reported. ClinVar contains an entry for this variant (Variation ID: 922133). Based on the evidence outlined above, the variant was classified as uncertain significance.

Color Diagnostics, LLC DBA Color Health
Classification: Likely benign for Cardiomyopathy. Last evaluated: 2019-08-21. Review status: criteria provided, single submitter. Criteria: ACMG Guidelines, 2015. Collection method: clinical testing. Allele origin: germline.

Literature cited by the submitters: PubMed 17576681 (cited by Labcorp Genetics (formerly Invitae), Labcorp); PubMed 9536098 (cited by Labcorp Genetics (formerly Invitae), Labcorp).